The following is an entry in ClinVar:

ClinVar aggregate classification (germline): Uncertain significance (1 of 4 stars; one submission).

Conditions:
Intellectual developmental disorder, autosomal dominant 52. Also called: Intellectual disability, autosomal dominant 52; Mental retardation, autosomal dominant 52. Identifiers: MedGen C4540478, MONDO:0030918, OMIM 617796.

Submission:

Juno Genomics, Hangzhou Juno Genomics, Inc
Classification: Uncertain significance for Intellectual developmental disorder, autosomal dominant 52. Review status: criteria provided, single submitter. Criteria: ACMG Guidelines, 2015. Collection method: clinical testing. Allele origin: germline.
Comment: Absent from controls (or at extremely low frequency if recessive) in Genome Aggregation Database.;Missense variant in a gene that has a low rate of benign missense variation.

NM_018489.3(ASH1L):c.3688G>C (p.Val1230Leu)

Gene: ASH1L (ASH1 like histone lysine methyltransferase; minus strand). Cytogenetic location: 1q22.
Variant type: single nucleotide variant.
Coding change: c.3688G>C on transcript NM_018489.3 (MANE Select); coding-DNA position 3688, G replaced by C.
Protein change: p.Val1230Leu; replaces valine 1230 with leucine.
Molecular consequence: missense variant.
Genome position (GRCh38, 1-based): chr1:155,479,182, C>G on the plus strand (G>C on the coding strand, the complement: ASH1L is on the minus strand). VCF-style: chr1-155479182-C-G. GRCh37 (hg19) VCF-style: chr1-155448973-C-G.
Other names: c.3688G>C, p.Val1230Leu (NM_001366177.2); short protein forms V1230L.
Identifiers: ClinVar variation 5007884 (VCV005007884.2).